The following is an entry in ClinVar:

ClinVar aggregate classification (germline): Uncertain significance (1 of 4 stars; one submission).

gnomAD v4.1: 1 of 1,613,802 alleles (0.000062%); highest among the groups gnomAD compares: Non-Finnish European, 0.000085%; no homozygotes.

Submission:

Labcorp Genetics (formerly Invitae), Labcorp
Classification: Uncertain significance. Last evaluated: 2025-02-20. Review status: criteria provided, single submitter. Criteria: Invitae Variant Classification Sherloc (09022015). Collection method: clinical testing. Allele origin: germline.
Comment: This sequence change replaces serine, which is neutral and polar, with arginine, which is basic and polar, at codon 1612 of the PLXNA2 protein (p.Ser1612Arg). This variant is not present in population databases (gnomAD no frequency). This variant has not been reported in the literature in individuals affected with PLXNA2-related conditions. An algorithm developed to predict the effect of missense changes on protein structure and function (PolyPhen-2) suggests that this variant is likely to be disruptive. In summary, the available evidence is currently insufficient to determine the role of this variant in disease. Therefore, it has been classified as a Variant of Uncertain Significance.

NM_025179.4(PLXNA2):c.4836C>G (p.Ser1612Arg)

Gene: PLXNA2 (plexin A2; minus strand). Cytogenetic location: 1q32.2.
Variant type: single nucleotide variant.
Coding change: c.4836C>G on transcript NM_025179.4 (MANE Select); coding-DNA position 4836, C replaced by G.
Protein change: p.Ser1612Arg; replaces serine 1612 with arginine.
Molecular consequence: missense variant.
Genome position (GRCh38, 1-based): chr1:208,034,521, G>C on the plus strand (C>G on the coding strand, the complement: PLXNA2 is on the minus strand). VCF-style: chr1-208034521-G-C. GRCh37 (hg19) VCF-style: chr1-208207866-G-C.
Other names: short protein forms S1612R.
Identifiers: ClinVar variation 3684319 (VCV003684319.2).